The following is an entry in ClinVar:

ClinVar aggregate classification (germline): Benign/Likely benign. Review status: criteria provided, multiple submitters, no conflicts (2 of 4 stars). 4 submissions from 4 submitters: Benign (1); Likely benign (3). Last evaluated 2026-06-01.

Allele frequency attached by ClinVar (database versions not stated): 1000 Genomes Project 0.00280; 1000 Genomes Project 30x 0.00297; TOPMed 0.00567; gnomAD 0.00577 and 0.00591; ESP Exome Variant Server 0.00602; gnomAD exomes 0.00658 and 0.00801; ExAC 0.00669.
gnomAD v4.1: 12,455 of 1,601,990 alleles (0.78%); highest among the groups gnomAD compares: Middle Eastern, 0.99%; 84 homozygotes.

Submissions (4):

CeGaT Center for Human Genetics Tuebingen
Classification: Likely benign. Last evaluated: 2026-06-01. Review status: criteria provided, single submitter. Criteria: CeGaT Center For Human Genetics Tuebingen Variant Classification Criteria Version 2. Collection method: clinical testing. Allele origin: germline. Affected: yes. Observed: 9 variant alleles.
Comment: JAG2: BS2

Mayo Clinic Laboratories, Mayo Clinic
Classification: Benign. Last evaluated: 2023-06-01. Review status: criteria provided, single submitter. Criteria: ACMG Guidelines, 2015. Collection method: clinical testing. Allele origin: germline. Observed: 8 variant alleles.
Comment: BS1, BS2

Labcorp Genetics (formerly Invitae), Labcorp
Classification: Likely benign. Last evaluated: 2018-05-25. Review status: criteria provided, single submitter. Criteria: Invitae Variant Classification Sherloc (09022015). Collection method: clinical testing. Allele origin: germline.

Breakthrough Genomics
Classification: Likely benign. Review status: criteria provided, single submitter. Criteria: ACMG Guidelines, 2015. Collection method: not provided. Allele origin: germline. Inheritance: Autosomal recessive inheritance. Affected: yes.

NM_002226.5(JAG2):c.3349C>T (p.Arg1117Trp)

Gene: JAG2 (jagged canonical Notch ligand 2; minus strand). Cytogenetic location: 14q32.33.
Variant type: single nucleotide variant.
Coding change: c.3349C>T on transcript NM_002226.5 (MANE Select); coding-DNA position 3349, C replaced by T.
Protein change: p.Arg1117Trp; replaces arginine 1117 with tryptophan.
Molecular consequence: missense variant.
Genome position (GRCh38, 1-based): chr14:105,143,063, G>A on the plus strand (C>T on the coding strand, the complement: JAG2 is on the minus strand). VCF-style: chr14-105143063-G-A. GRCh37 (hg19) VCF-style: chr14-105609400-G-A.
Other names: p.Arg1117Trp; c.3235C>T, p.Arg1079Trp (NM_145159.3); short protein forms R1079W, R1117W.
Identifiers: ClinVar variation 770429 (VCV000770429.29), dbSNP rs34728766, ClinGen allele CA7385231.